The following is an entry in ClinVar:

ClinVar aggregate classification (germline): Likely pathogenic. Review status: criteria provided, multiple submitters, no conflicts (2 of 4 stars). 3 submissions from 3 submitters: Likely pathogenic (3). Last evaluated 2025-01-15.
ClinVar aggregate classification (oncogenicity): Likely oncogenic (1 of 4 stars; one submission).

Conditions:
Familial melanoma. Also called: Hereditary melanoma; Hereditary cutaneous melanoma. Identifiers: Orphanet 618, MedGen C1512419, MONDO:0018961.
Hereditary cancer-predisposing syndrome. Also called: Neoplastic Syndromes, Hereditary; Hereditary Cancer Syndrome; Tumor predisposition; Hereditary neoplastic syndrome. Identifiers: Orphanet 140162, MedGen C0027672, MeSH D009386, MONDO:0015356.
Neoplasm. Also called: tumor; Neoplasms; Neoplasm (disease). Identifiers: MedGen C0027651, MeSH D009369, MONDO:0005070, HP:0002664.

Submissions (4):

Center for Genomic Medicine, Rigshospitalet, Copenhagen University Hospital
Classification: Likely oncogenic for Neoplasm. Last evaluated: 2026-10-16. Review status: criteria provided, single submitter. Criteria: ClinGen/CGC/VICC Guidelines for Oncogenicity, 2022. Collection method: clinical testing. Allele origin: somatic. Affected: yes.

Labcorp Genetics (formerly Invitae), Labcorp
Classification: Likely pathogenic for Familial melanoma. Last evaluated: 2025-01-15. Review status: criteria provided, single submitter. Criteria: Invitae Variant Classification Sherloc (09022015). Collection method: clinical testing. Allele origin: germline.
Comment: The CDKN2A gene encodes two different proteins, p16INK4a and p14ARF, which are translated from alternative transcripts with different open reading frames. Both transcripts have been analyzed. We report either the variant with the higher classification or default to the CDKN2A (p16INK4a) variant. This report therefore includes the details for the CDKN2A (p16INK4a) variant. This sequence change replaces aspartic acid, which is acidic and polar, with tyrosine, which is neutral and polar, at codon 108 of the CDKN2A (p16INK4a) protein (p.Asp108Tyr). This variant is not present in population databases (gnomAD no frequency). This missense change has been observed in individual(s) with malignant melanoma (PMID: 17255954). It has also been observed to segregate with disease in related individuals. This variant is also known as c.365G>T (p.Arg122Leu) in the CDKN2A (p14ARF) transcript. ClinVar contains an entry for this variant (Variation ID: 182423). An algorithm developed to predict the effect of missense changes on protein structure and function (PolyPhen-2) suggests that this variant is likely to be disruptive. Experimental studies have shown that this missense change affects CDKN2A (p16INK4a) function (PMID: 12606942). This variant disrupts the p.Asp108 amino acid residue in CDKN2A (p16INK4a). Other variant(s) that disrupt this residue have been determined to be pathogenic (PMID: 9416844, 16234564, 21462282; internal data). This suggests that this residue is clinically significant, and that variants that disrupt this residue are likely to be disease-causing. In summary, the currently available evidence indicates that the variant is pathogenic, but additional data are needed to prove that conclusively. Therefore, this variant has been classified as Likely Pathogenic.

Clinical Genetics Laboratory, Skane University Hospital Lund
Classification: Likely pathogenic for Familial melanoma. Last evaluated: 2024-09-13. Review status: criteria provided, single submitter. Criteria: ACMG Guidelines, 2015. Collection method: clinical testing. Allele origin: germline. Inheritance: Autosomal dominant inheritance. Affected: yes.
Comment: ACMG criteria used: PS4, PM2, PP3.

Ambry Genetics
Classification: Likely pathogenic for Hereditary cancer-predisposing syndrome. Last evaluated: 2023-12-07. Review status: criteria provided, single submitter. Criteria: Ambry Variant Classification Scheme 2023. Collection method: clinical testing. Allele origin: germline.
Comment: The p.D108Y variant (also known as c.322G>T), located in coding exon 2 of the CDKN2A gene, results from a G to T substitution at nucleotide position 322. The aspartic acid at codon 108 is replaced by tyrosine, an amino acid with highly dissimilar properties. This alteration has been observed in multiple individuals with a personal and/or family history that is consistent with CDKN2A-related disease (Ambry internal data; Erlandson A et al. J. Invest. Dermatol., 2007 Jun;127:1465-7; Pissa M et al. Acta Oncol, 2021 Jul;60:888-896). Based on internal structural analysis, D108Y is more destabilizing to CDKN2A than internally pathogenic variants at the same position and nearby (Ambry internal data; Byeon IJ et al. Mol Cell 1998 Feb;1(3):421-31; Russo AA et al. Nature 1998 Sep;395(6699):237-43). This amino acid position is well conserved in available vertebrate species. In addition, this alteration is predicted to be deleterious by in silico analysis. Based on the majority of available evidence to date, this variant is likely to be pathogenic.

Literature cited by the submitters: PubMed 17255954 (cited by Labcorp Genetics (formerly Invitae), Labcorp and Ambry Genetics); PubMed 12606942 (cited by Labcorp Genetics (formerly Invitae), Labcorp); PubMed 9416844 (cited by Labcorp Genetics (formerly Invitae), Labcorp); PubMed 16234564 (cited by Labcorp Genetics (formerly Invitae), Labcorp); PubMed 21462282 (cited by Labcorp Genetics (formerly Invitae), Labcorp and Ambry Genetics); PubMed 33945383 (cited by Ambry Genetics); PubMed 9660926 (cited by Ambry Genetics).

NM_000077.5(CDKN2A):c.322G>T (p.Asp108Tyr)

Gene: CDKN2A (cyclin dependent kinase inhibitor 2A; minus strand). Cytogenetic location: 9p21.3.
Variant type: single nucleotide variant.
Coding change: c.322G>T on transcript NM_000077.5; coding-DNA position 322, G replaced by T.
Protein change: p.Asp108Tyr; replaces aspartic acid 108 with tyrosine.
Molecular consequence: missense variant (on NM_000077.6). On other transcripts: 3 prime UTR variant (1).
Genome position (GRCh38, 1-based): chr9:21,971,037, C>A on the plus strand (G>T on the coding strand, the complement: CDKN2A is on the minus strand). VCF-style: chr9-21971037-C-A. GRCh37 (hg19) VCF-style: chr9-21971036-C-A.
Other names: c.322G>T, p.Asp108Tyr (NM_000077.6, NM_001195132.2); c.169G>T, p.Asp57Tyr (NM_001363763.2); c.365G>T, p.Arg122Leu (NM_058195.4); c.*245G>T (NM_058197.5); short protein forms D108Y, R122L, D57Y.
Identifiers: ClinVar variation 182423 (VCV000182423.17), dbSNP rs121913381, ClinGen allele CA299056.